The following is an entry in ClinVar:

ClinVar aggregate classification (germline): Pathogenic/Likely pathogenic. Review status: criteria provided, multiple submitters, no conflicts (2 of 4 stars). 10 submissions from 10 submitters: Pathogenic (9); Likely pathogenic (1). Last evaluated 2026-01-11.

Conditions:
KCNQ1-related disorder. Also called: KCNQ1-related disorders; KCNQ1-related condition. Identifiers: MedGen CN239322.
Cardiovascular phenotype. Identifiers: MedGen CN230736.
Jervell and Lange-Nielsen syndrome (JLNS). Also called: Jervell-Lange Nielsen syndrome. Identifiers: Orphanet 90647, MedGen C0022387, MONDO:0002441.
Long QT syndrome 1 (LQT1). Identifiers: Orphanet 101016, Orphanet 768, MedGen C4551647, MONDO:0100316, OMIM 192500, MONDO:0008646.
Short QT syndrome type 2. Identifiers: Orphanet 51083, MedGen C1865019, MONDO:0012313, OMIM 609621.
Atrial fibrillation, familial, 3 (ATFB3). Identifiers: MedGen C1837014, MONDO:0011857, OMIM 607554.
Beckwith-Wiedemann syndrome (BWS). Also called: Exomphalos macroglossia gigantism syndrome; EMG SYNDROME. Identifiers: Orphanet 116, MedGen C0004903, MONDO:0007534, OMIM 130650.
Jervell and Lange-Nielsen syndrome 1 (JLNS1). Also called: CARDIOAUDITORY SYNDROME OF JERVELL AND LANGE-NIELSEN; DEAFNESS, CONGENITAL, AND FUNCTIONAL HEART DISEASE; PROLONGED QT INTERVAL IN EKG AND SUDDEN DEATH; SURDO-CARDIAC SYNDROME. Identifiers: Orphanet 768, Orphanet 90647, MedGen C4551509, MONDO:0024540, OMIM 220400.
Long QT syndrome (LQTS). Identifiers: MedGen C0023976, MeSH D008133, MONDO:0002442. Disease mechanism: loss of function. Inheritance: Various modes of inheritance.
Ear malformation. Also called: CUP EAR; Abnormality of the ear. Identifiers: MedGen C0266589, MONDO:0007500, OMIM 128600, HP:0000598.

Submissions (10):

Labcorp Genetics (formerly Invitae), Labcorp
Classification: Pathogenic for Long QT syndrome. Last evaluated: 2026-01-11. Review status: criteria provided, single submitter. Criteria: Invitae Variant Classification Sherloc (09022015). Collection method: clinical testing. Allele origin: germline.
Comment: This sequence change creates a premature translational stop signal (p.Phe423Valfs*40) in the KCNQ1 gene. It is expected to result in an absent or disrupted protein product. Loss-of-function variants in KCNQ1 are known to be pathogenic (PMID: 9323054, 19862833). The frequency data for this variant in the population databases is considered unreliable, as metrics indicate poor data quality at this position in the gnomAD database. This premature translational stop signal has been observed in individual(s) with long QT syndrome (PMID: 15840476, 34860437). This variant is also known as ins A 1265–1266, K422fs/39*. ClinVar contains an entry for this variant (Variation ID: 52974). For these reasons, this variant has been classified as Pathogenic.

GeneDx
Classification: Pathogenic. Last evaluated: 2025-07-03. Review status: criteria provided, single submitter. Criteria: GeneDx Variant Classification Process June 2021. Collection method: clinical testing. Allele origin: germline. Affected: yes.
Comment: Reported in association with Long QT syndrome (PMID: 14998624, 15840476); Not observed at significant frequency in large population cohorts (gnomAD); Frameshift variant predicted to result in protein truncation or nonsense mediated decay in a gene for which loss of function is a known mechanism of disease; This variant is associated with the following publications: (PMID: 19862833, 15840476, 26669661, 34860437, 9323054, 14998624, 38374194)

3billion
Classification: Pathogenic for Long QT syndrome 1. Last evaluated: 2024-03-15. Review status: criteria provided, single submitter. Criteria: ACMG Guidelines, 2015. Collection method: clinical testing. Allele origin: germline. Affected: yes.
Comment: The variant is observed at an extremely low frequency in the gnomAD v2.1.1 dataset (total allele frequency: <0.001%). Predicted Consequence/Location: Frameshift: predicted to result in a loss or disruption of normal protein function through nonsense-mediated decay (NMD) or protein truncation. Multiple pathogenic variants are reported downstream of the variant. The variant has been reported at least twice as pathogenic without evidence for the classification (ClinVar ID: VCV000052974 /PMID: 15840476). Therefore, this variant is classified as Pathogenic according to the recommendation of ACMG/AMP guideline.

Dept of Medical Biology, Uskudar University
Classification: Pathogenic for Jervell and Lange Nielsen syndrome. Last evaluated: 2024-01-08. Review status: criteria provided, single submitter. Criteria: Dept of Medical Biology Variant Classification. Collection method: research. Allele origin: maternal. Affected: yes. Observed: 1 variant allele.
Comment: Criteria: PVS1_Strong, PS4_Moderate, PM2, PM3

Blueprint Genetics
Classification: Pathogenic for KCNQ1-related disorders. Last evaluated: 2023-06-01. Review status: criteria provided, single submitter. Criteria: ACMG Guidelines, 2015. Collection method: clinical testing. Allele origin: germline. Affected: yes. Observed: 1 variant allele.

New York Genome Center
Classification: Pathogenic for Long QT syndrome 1. Last evaluated: 2022-06-08. Review status: criteria provided, single submitter. Criteria: NYGC Assertion Criteria 2020. Collection method: clinical testing. Allele origin: germline. Affected: yes. Observed: 1 variant allele.
Comment: The one nucleotide duplication [c.1265dup p.(Phe423ValfsTer40)] identified in exon 10 (of 16) of KCNQ1 alters the wild-type translational reading frame and is predicted to cause loss of normal protein function either through protein truncation or nonsense-mediated mRNA decay. This variant as well as an adjacent one nucleotide duplication with the same predicted effect on protein [c.1266dupG p.(Phe423ValfsTer40)] have been reported in individuals affected with long QTsyndrome [PMID:15840476, 24912595]. The c.1265dup variant identified here has been reported in ClinVar database as Pathogenic/Likely Pathogenic[Variation ID: 52974], and is absent from population databases (gnomADv2, gnomADv3, TOPMed Freeze 8) suggesting it is not a common benign variant inpopulations represented in those databases. Based on the available evidence, the c.1265dup p.(Phe423ValfsTer40) variant identified in the KCNQ1 gene is reported as Pathogenic.

MGZ Medical Genetics Center
Classification: Pathogenic for Long QT syndrome 1. Last evaluated: 2022-04-25. Review status: criteria provided, single submitter. Criteria: ACMG Guidelines, 2015. Collection method: clinical testing. Allele origin: germline. Affected: yes. Observed: 1 variant allele.
Comment: ACMG criteria applied: PVS1, PS4_SUP, PM2_SUP

Fulgent Genetics
Classification: Likely pathogenic for Beckwith-Wiedemann syndrome; Long QT syndrome 1; Jervell and Lange-Nielsen syndrome 1; Atrial fibrillation, familial, 3; Short QT syndrome type 2. Last evaluated: 2021-09-18. Review status: criteria provided, single submitter. Criteria: ACMG Guidelines, 2015. Collection method: clinical testing. Allele origin: unknown.

Kariminejad - Najmabadi Pathology & Genetics Center
Classification: Pathogenic for Ear malformation. Last evaluated: 2021-07-10. Review status: criteria provided, single submitter. Criteria: ACMG Guidelines, 2015. Collection method: clinical testing. Allele origin: germline. Affected: yes.

Ambry Genetics
Classification: Pathogenic for Cardiovascular phenotype. Last evaluated: 2021-02-25. Review status: criteria provided, single submitter. Criteria: Ambry Variant Classification Scheme 2023. Collection method: clinical testing. Allele origin: germline.
Comment: The c.1265dupA pathogenic mutation, located in coding exon 10 of the KCNQ1 gene, results from a duplication of A at nucleotide position 1265, causing a translational frameshift with a predicted alternate stop codon (p.F423Vfs*40). This mutation (also referred to as g.1258 ins A and ins A 1265&ndash;1266) has been reported in association with long QT syndrome (Tester DJ et al. Heart Rhythm, 2005 May;2:507-17; Lupoglazoff JM et al. J Am Coll Cardiol, 2004 Mar;43:826-30). This alteration is expected to result in loss of function by premature protein truncation or nonsense-mediated mRNA decay. As such, this alteration is interpreted as a disease-causing mutation.

Literature cited by the submitters: PubMed 9323054 (cited by Labcorp Genetics (formerly Invitae), Labcorp); PubMed 19862833 (cited by Labcorp Genetics (formerly Invitae), Labcorp); PubMed 15840476 (cited by 3 submitters); PubMed 34860437 (cited by Labcorp Genetics (formerly Invitae), Labcorp); PubMed 14998624 (cited by Ambry Genetics).

NM_000218.3(KCNQ1):c.1265dup (p.Phe423fs)

Gene: KCNQ1 (potassium voltage-gated channel subfamily Q member 1; plus strand). Cytogenetic location: 11p15.5.
Variant type: Duplication.
Coding change: c.1265dup on transcript NM_000218.3 (MANE Select); coding-DNA position 1265, one base duplicated (A; older notation c.1265dupA).
Protein change: p.Phe423fs; shifts the reading frame from phenylalanine 423.
Molecular consequence: frameshift variant.
Genome position (GRCh38, 1-based): chr11:2,588,726, A duplicated; the last of 8 consecutive A bases (chr11:2,588,719-2,588,726); duplicating any one gives the same sequence. VCF-style (leftmost placement, unchanged base first): chr11-2588718-G-GA. GRCh37 (hg19) VCF-style: chr11-2609948-G-GA.
Other names: c.1265dupA (NM_000218.2, NM_000218.3); c.1169dup, p.Phe391Valfs (NM_001406836.1); c.995dup, p.Phe333Valfs (NM_001406837.1); c.725dup, p.Phe243Valfs (NM_001406838.1); c.884dup, p.Phe296Valfs (NM_181798.2); short protein forms F296fs, F423fs.
Identifiers: ClinVar variation 52974 (VCV000052974.40), dbSNP rs397508083, ClinGen allele CA005547.
Genomic context (GRCh38, chr11:2,588,718, plus strand): 5'-AGGGCCTGGCAGACGATGTCCAGGAACCGCTAATCTGTTGTCTTGTTTTTTTTAGGTAAA[G>GA]AAAAAAAAGTTCAAGCTGGACAAAGACAATGGGGTGACTCCTGGAGAGAAGATGCTCACA-3'